The following is an entry in ClinVar:

NM_001130965.3(SUN1):c.1085T>C (p.Met362Thr)

Gene: SUN1 (Sad1 and UNC84 domain containing 1; plus strand). Cytogenetic location: 7p22.3.
Variant type: single nucleotide variant.
Coding change: c.1085T>C on transcript NM_001130965.3 (MANE Select); coding-DNA position 1085, T replaced by C.
Protein change: p.Met362Thr; replaces methionine 362 with threonine.
Molecular consequence: missense variant. On other transcripts: non-coding transcript variant (3).
Genome position (GRCh38, 1-based): chr7:853,440, T>C. VCF-style: chr7-853440-T-C. GRCh37 (hg19) VCF-style: chr7-893077-T-C.
Other names: c.1196T>C, p.Met399Thr (NM_001367664.1, NM_001367696.1, NM_001367685.1); c.1082T>C, p.Met361Thr (NM_001367665.1, NM_001367694.1); c.1328T>C, p.Met443Thr (NM_001367666.1, NM_001367655.1); c.1046T>C, p.Met349Thr (NM_001367667.1, NM_001367689.1, NM_001367645.1); c.1127T>C, p.Met376Thr (NM_001367668.1, NM_001367647.1); c.1112T>C, p.Met371Thr (NM_001367669.1); c.935T>C, p.Met312Thr (NM_001367670.1, NM_001367660.1); c.932T>C, p.Met311Thr (NM_001367671.1, NM_001367662.1); and 38 more; short protein forms M245T, M311T, M361T, M376T, M423T, M442T, M455T, M279T.
Identifiers: ClinVar variation 3728132 (VCV003728132.2).

ClinVar aggregate classification (germline): Uncertain significance (1 of 4 stars; one submission).

Conditions:
Emery-Dreifuss muscular dystrophy (EDMD). Also called: Scapuloperoneal syndrome, X-linked (formerly); Humeroperoneal neuromuscular disease, (formerly). Identifiers: Orphanet 261, MedGen C0410189, MONDO:0016830.

gnomAD v4.1: 2 of 1,613,878 alleles (0.00012%); highest among the groups gnomAD compares: Non-Finnish European, 0.00017%; no homozygotes.

Submission:

Labcorp Genetics (formerly Invitae), Labcorp
Classification: Uncertain significance for Emery-Dreifuss muscular dystrophy. Last evaluated: 2024-06-19. Review status: criteria provided, single submitter. Criteria: Invitae Variant Classification Sherloc (09022015). Collection method: clinical testing. Allele origin: germline.
Comment: This sequence change replaces methionine, which is neutral and non-polar, with threonine, which is neutral and polar, at codon 362 of the SUN1 protein (p.Met362Thr). This variant is not present in population databases (gnomAD no frequency). This variant has not been reported in the literature in individuals affected with SUN1-related conditions. An algorithm developed to predict the effect of missense changes on protein structure and function (PolyPhen-2) suggests that this variant is likely to be tolerated. In summary, the available evidence is currently insufficient to determine the role of this variant in disease. Therefore, it has been classified as a Variant of Uncertain Significance.